The following is an entry in ClinVar:

ClinVar aggregate classification (germline): Pathogenic (1 of 4 stars; one submission).

Conditions:
Multiple congenital exostosis (EXT). Also called: Hereditary multiple osteochondromas; Multiple osteochondromas; Multiple exostoses; MULTIPLE CARTILAGINOUS EXOSTOSES; Hereditary multiple exostoses; Hereditary multiple exostosis. Identifiers: Orphanet 321, MedGen C0015306, MONDO:0005508, HP:0002762.

Submission:

Labcorp Genetics (formerly Invitae), Labcorp
Classification: Pathogenic for Multiple congenital exostosis. Last evaluated: 2025-05-26. Review status: criteria provided, single submitter. Criteria: Invitae Variant Classification Sherloc (09022015). Collection method: clinical testing. Allele origin: germline.
Comment: This sequence change creates a premature translational stop signal (p.Tyr629Leufs*25) in the EXT1 gene. It is expected to result in an absent or disrupted protein product. Loss-of-function variants in EXT1 are known to be pathogenic (PMID: 10679937, 11391482, 19810120). This variant is not present in population databases (gnomAD no frequency). This variant has not been reported in the literature in individuals affected with EXT1-related conditions. ClinVar contains an entry for this variant (Variation ID: 946999). For these reasons, this variant has been classified as Pathogenic.

Literature cited by the submitters: PubMed 10679937; PubMed 11391482; PubMed 19810120.

NM_000127.3(EXT1):c.1885dup (p.Tyr629fs)

Gene: EXT1 (exostosin glycosyltransferase 1; minus strand). Cytogenetic location: 8q24.11.
Variant type: Duplication.
Coding change: c.1885dup on transcript NM_000127.3 (MANE Select); coding-DNA position 1885, one base duplicated (T; older notation c.1885dupT).
Protein change: p.Tyr629fs; shifts the reading frame from tyrosine 629.
Molecular consequence: frameshift variant.
Genome position (GRCh38, 1-based): chr8:117,804,892, A duplicated on the plus strand (T on the coding strand, the reverse complement: EXT1 is on the minus strand). VCF-style (leftmost placement, unchanged base first): chr8-117804891-T-TA. GRCh37 (hg19) VCF-style: chr8-118817130-T-TA.
Other names: short protein forms Y629fs.
Identifiers: ClinVar variation 946999 (VCV000946999.7), dbSNP rs1823215251, ClinGen allele CA1139660717.
Genomic context (GRCh38, chr8:117,804,891, plus strand): 5'-AATTGGTCCACCATGTTCTTCAGGCTGGCTGGCAGGTAATGGGAGTATAGGTAGTGATAA[T>TA]ATCTGTAAAAATCAAAGATGGGTTTCACAGGGGGCCATTATCACATGATGACAAGTGGAC-3'